The following is an entry in ClinVar:

NM_201384.3(PLEC):c.3311T>C (p.Val1104Ala)

Gene: PLEC (plectin; minus strand). Cytogenetic location: 8q24.3.
Variant type: single nucleotide variant.
Coding change: c.3311T>C on transcript NM_201384.3 (MANE Select); coding-DNA position 3311, T replaced by C.
Protein change: p.Val1104Ala; replaces valine 1104 with alanine.
Molecular consequence: missense variant.
Genome position (GRCh38, 1-based): chr8:143,927,942, A>G on the plus strand (T>C on the coding strand, the complement: PLEC is on the minus strand). VCF-style: chr8-143927942-A-G. GRCh37 (hg19) VCF-style: chr8-145002110-A-G.
Other names: c.3392T>C, p.Val1131Ala (NM_000445.5, NM_001410941.1); c.3269T>C, p.Val1090Ala (NM_201378.4); c.3245T>C, p.Val1082Ala (NM_201379.3); c.3722T>C, p.Val1241Ala (NM_201380.4); c.3215T>C, p.Val1072Ala (NM_201381.3); c.3311T>C, p.Val1104Ala (NM_201382.4); c.3323T>C, p.Val1108Ala (NM_201383.3); short protein forms V1072A, V1082A, V1090A, V1104A, V1108A, V1131A, V1241A.
Identifiers: ClinVar variation 3751083 (VCV003751083.2).

ClinVar aggregate classification (germline): Uncertain significance (1 of 4 stars; one submission).

Conditions:
Epidermolysis bullosa simplex with nail dystrophy (EBS5D). Identifiers: MedGen C4225309, MONDO:0014661, OMIM 616487.
Autosomal recessive limb-girdle muscular dystrophy type 2Q (LGMDR17). Also called: MUSCULAR DYSTROPHY, LIMB-GIRDLE, AUTOSOMAL RECESSIVE 17. Identifiers: Orphanet 254361, MedGen C3150989, MONDO:0013390, OMIM 613723.
Epidermolysis bullosa simplex 5B, with muscular dystrophy (EBS5B). Also called: Epidermolysis bullosa simplex with muscular dystrophy; EPIDERMOLYSIS BULLOSA SIMPLEX AND LIMB-GIRDLE MUSCULAR DYSTROPHY. Identifiers: Orphanet 257, MedGen C2931072, MONDO:0009181, OMIM 226670.
Epidermolysis bullosa simplex 5C, with pyloric atresia (EBS5C). Also called: PLEC-Related Epidermolysis Bullosa with Pyloric Atresia; Epidermolysis bullosa simplex with pyloric atresia; PLEC1-Related Epidermolysis Bullosa with Pyloric Atresia. Identifiers: Orphanet 158684, MedGen C2677349, MONDO:0012807, OMIM 612138.
Epidermolysis bullosa simplex, Ogna type (EBS5A). Also called: Pidermolysis bullosa simplex 5A, Ogna type; EPIDERMOLYSIS BULLOSA SIMPLEX 5A, OGNA TYPE. Identifiers: Orphanet 79401, MedGen C0432317, MONDO:0007555, OMIM 131950.

gnomAD v4.1: 1 of 1,603,072 alleles (0.000062%); highest among the groups gnomAD compares: South Asian, 0.0011%; no homozygotes.

Submission:

Labcorp Genetics (formerly Invitae), Labcorp
Classification: Uncertain significance for Autosomal recessive limb-girdle muscular dystrophy type 2Q; Epidermolysis bullosa simplex, Ogna type; Epidermolysis bullosa simplex with nail dystrophy; Epidermolysis bullosa simplex 5C, with pyloric atresia; Epidermolysis bullosa simplex 5B, with muscular dystrophy. Last evaluated: 2024-05-19. Review status: criteria provided, single submitter. Criteria: Invitae Variant Classification Sherloc (09022015). Collection method: clinical testing. Allele origin: germline.
Comment: This sequence change replaces valine, which is neutral and non-polar, with alanine, which is neutral and non-polar, at codon 1131 of the PLEC protein (p.Val1131Ala). This variant is not present in population databases (gnomAD no frequency). This variant has not been reported in the literature in individuals affected with PLEC-related conditions. Advanced modeling of protein sequence and biophysical properties (such as structural, functional, and spatial information, amino acid conservation, physicochemical variation, residue mobility, and thermodynamic stability) performed at Invitae indicates that this missense variant is not expected to disrupt PLEC protein function with a negative predictive value of 80%. In summary, the available evidence is currently insufficient to determine the role of this variant in disease. Therefore, it has been classified as a Variant of Uncertain Significance.